The following is an entry in ClinVar:

ClinVar aggregate classification (germline): Uncertain significance (1 of 4 stars; one submission).

Conditions:
Joubert syndrome. Also called: CEREBELLOPARENCHYMAL DISORDER IV; JOUBERT-BOLTSHAUSER SYNDROME; Familial aplasia of the vermis. Identifiers: Orphanet 475, MedGen C5979921, MONDO:0018772.
Orofaciodigital syndrome I (OFD1). Also called: OFDS I; Papillon-Leage and Psaume Syndrome; Oral-Facial-Digital Syndrome Type I. Identifiers: Orphanet 2750, MedGen C1510460, MONDO:0010702, OMIM 311200.

Allele frequency attached by ClinVar (database versions not stated): gnomAD exomes below 0.00001; ExAC 0.00001; gnomAD 0.00001.
gnomAD v4.1: 2 of 1,118,540 alleles (0.00018%); highest among the groups gnomAD compares: Non-Finnish European, 0.00025%; no homozygotes.

Submission:

Labcorp Genetics (formerly Invitae), Labcorp
Classification: Uncertain significance for Orofaciodigital syndrome I; Joubert syndrome. Last evaluated: 2022-07-02. Review status: criteria provided, single submitter. Criteria: Invitae Variant Classification Sherloc (09022015). Collection method: clinical testing. Allele origin: germline.
Comment: This variant is present in population databases (rs773987670, gnomAD 0.001%). This sequence change replaces threonine, which is neutral and polar, with arginine, which is basic and polar, at codon 551 of the OFD1 protein (p.Thr551Arg). This variant has not been reported in the literature in individuals affected with OFD1-related conditions. Algorithms developed to predict the effect of missense changes on protein structure and function (SIFT, PolyPhen-2, Align-GVGD) all suggest that this variant is likely to be tolerated. In summary, the available evidence is currently insufficient to determine the role of this variant in disease. Therefore, it has been classified as a Variant of Uncertain Significance.

NM_003611.3(OFD1):c.1652C>G (p.Thr551Arg)

Gene: OFD1 (OFD1 centriole and centriolar satellite protein; plus strand). Cytogenetic location: Xp22.2.
Variant type: single nucleotide variant.
Coding change: c.1652C>G on transcript NM_003611.3 (MANE Select); coding-DNA position 1652, C replaced by G.
Protein change: p.Thr551Arg; replaces threonine 551 with arginine.
Molecular consequence: missense variant.
Genome position (GRCh38, 1-based): chrX:13,758,446, C>G. VCF-style: chrX-13758446-C-G. GRCh37 (hg19) VCF-style: chrX-13776565-C-G.
Other names: c.1532C>G, p.Thr511Arg (NM_001330209.2); c.1232C>G, p.Thr411Arg (NM_001330210.2); short protein forms T551R, T411R, T511R.
Identifiers: ClinVar variation 2013121 (VCV002013121.4), dbSNP rs773987670, ClinGen allele CA10351858.